The following is an entry in ClinVar:

ClinVar aggregate classification (germline): Uncertain significance (1 of 4 stars; one submission).

Allele frequency attached by ClinVar (database versions not stated): TOPMed below 0.00001; ExAC 0.00001; gnomAD 0.00001; ESP Exome Variant Server 0.00008.
gnomAD v4.1: 7 of 1,613,436 alleles (0.00043%); highest among the groups gnomAD compares: African/African-American, 0.0027%; no homozygotes.

Submission:

Ambry Genetics
Classification: Uncertain significance. Last evaluated: 2023-08-15. Review status: criteria provided, single submitter. Criteria: Ambry Variant Classification Scheme 2023. Collection method: clinical testing. Allele origin: germline.
Comment: Does not currently meet published gene-disease clinical validity criteria Based on insufficient or conflicting evidence, the clinical significance of this alteration remains unclear.

Literature cited by the submitters: PubMed 28106320.

NM_017784.5(OSBPL10):c.2164C>T (p.Arg722Trp)

Gene: OSBPL10 (oxysterol binding protein like 10; minus strand). Cytogenetic location: 3p23.
Variant type: single nucleotide variant.
Coding change: c.2164C>T on transcript NM_017784.5 (MANE Select); coding-DNA position 2164, C replaced by T.
Protein change: p.Arg722Trp; replaces arginine 722 with tryptophan.
Molecular consequence: missense variant.
Genome position (GRCh38, 1-based): chr3:31,664,165, G>A on the plus strand (C>T on the coding strand, the complement: OSBPL10 is on the minus strand). VCF-style: chr3-31664165-G-A. GRCh37 (hg19) VCF-style: chr3-31705657-G-A.
Other names: c.1972C>T, p.Arg658Trp (NM_001174060.2); short protein forms R722W, R658W.
Identifiers: ClinVar variation 2618921 (VCV002618921.2), dbSNP rs375455808, ClinGen allele CA2295508.
Genomic context (GRCh38, chr3:31,664,165, plus strand): 5'-ATGGTGTGCGGAGGTTCTCGCGCTTCCGTTCCTCCACCCGTTGCTTCTCCTCCAGGTGCC[G>A]CTTCTGCTCGGTGGCTGCGTCAATGTCCCCCAGCCGCAGGTATCGGGTCACCTCCCGCCA-3'
Protein context (NP_060254.2, residues 712-732): GDIDAATEQK[Arg722Trp]HLEEKQRVEE